The following is an entry in ClinVar:

ClinVar aggregate classification (germline): Uncertain significance (1 of 4 stars; one submission).

Conditions:
Stormorken syndrome (STRMK). Also called: THROMBOCYTOPATHY, ASPLENIA, AND MIOSIS. Identifiers: Orphanet 3204, MedGen C1861451, MONDO:0008497, OMIM 185070.
Myopathy with tubular aggregates (TAM). Also called: Tubular Aggregate Myopathy. Identifiers: Orphanet 2593, MedGen C0410207, MONDO:0008051.
Combined immunodeficiency due to STIM1 deficiency. Also called: STIM1 DEFICIENCY; IMMUNODEFICIENCY 10. Identifiers: Orphanet 169090, Orphanet 317430, MedGen C2748557, MONDO:0013008, OMIM 612783.

Submission:

Labcorp Genetics (formerly Invitae), Labcorp
Classification: Uncertain significance for Myopathy with tubular aggregates; Combined immunodeficiency due to STIM1 deficiency; Stormorken syndrome. Last evaluated: 2021-06-09. Review status: criteria provided, single submitter. Criteria: Invitae Variant Classification Sherloc (09022015). Collection method: clinical testing. Allele origin: germline.
Comment: This variant is not present in population databases (ExAC no frequency). In summary, the available evidence is currently insufficient to determine the role of this variant in disease. Therefore, it has been classified as a Variant of Uncertain Significance. Algorithms developed to predict the effect of missense changes on protein structure and function (SIFT, PolyPhen-2, Align-GVGD) all suggest that this variant is likely to be tolerated, but these predictions have not been confirmed by published functional studies and their clinical significance is uncertain. This variant has not been reported in the literature in individuals with STIM1-related conditions. This sequence change replaces glutamic acid with lysine at codon 42 of the STIM1 protein (p.Glu42Lys). The glutamic acid residue is weakly conserved and there is a small physicochemical difference between glutamic acid and lysine.

NM_001382567.1(STIM1):c.124G>A (p.Glu42Lys)

Gene: STIM1 (stromal interaction molecule 1; plus strand). Cytogenetic location: 11p15.4.
Variant type: single nucleotide variant.
Coding change: c.124G>A on transcript NM_001382567.1 (MANE Select); coding-DNA position 124, G replaced by A.
Protein change: p.Glu42Lys; replaces glutamic acid 42 with lysine.
Molecular consequence: missense variant. On other transcripts: synonymous variant (1), 5 prime UTR variant (1), non-coding transcript variant (3), intron variant (10).
Genome position (GRCh38, 1-based): chr11:3,856,394, G>A. VCF-style: chr11-3856394-G-A. GRCh37 (hg19) VCF-style: chr11-3877624-G-A.
Other names: c.124G>A, p.Glu42Lys (NM_001277961.3, NM_001277962.2, NM_001382568.1 and 3 more transcripts); c.120G>A, p.Arg40= (NM_001382569.1); c.-114G>A (NM_001382571.1); c.-84+1658G>A (NM_001382578.1, NM_001382575.1, NM_001382574.1); c.-220+1658G>A (NM_001382580.1, NM_001382581.1); c.-84+1740G>A (NM_001382576.1); c.-84+978G>A (NM_001382566.1, NM_001382579.1, NM_001382577.1 and 1 more transcripts); short protein forms E42K.
Identifiers: ClinVar variation 1352761 (VCV001352761.8), dbSNP rs2135171279, ClinGen allele CA379196529.